The following is an entry in ClinVar:

NM_000747.3(CHRNB1):c.*287C>T

Gene: CHRNB1 (cholinergic receptor nicotinic beta 1 subunit; plus strand). Cytogenetic location: 17p13.1.
Variant type: single nucleotide variant.
Coding change: c.*287C>T on transcript NM_000747.3 (MANE Select); 287 bases downstream of the stop codon, C replaced by T.
Molecular consequence: 3 prime UTR variant.
Genome position (GRCh38, 1-based): chr17:7,457,010, C>T. VCF-style: chr17-7457010-C-T. GRCh37 (hg19) VCF-style: chr17-7360329-C-T.
Identifiers: ClinVar variation 890896 (VCV000890896.4), dbSNP rs548074838, ClinGen allele CA287433474.

ClinVar aggregate classification (germline): Benign (1 of 4 stars; one submission).

Conditions:
Congenital myasthenic syndrome 4C (CMS4C). Also called: Myasthenic syndrome, congenital, associated with acetylcholine receptor deficiency. Identifiers: Orphanet 590, MedGen C1837091, MONDO:0012157, OMIM 608931.

Allele frequency attached by ClinVar (database versions not stated): 1000 Genomes Project 0.00160; 1000 Genomes Project 30x 0.00172; gnomAD 0.00180 and 0.00197; TOPMed 0.00195.
gnomAD v4.1: 333 of 431,844 alleles (0.077%); highest among the groups gnomAD compares: African/African-American, 0.63%; 2 homozygotes.

Submission:

Illumina Laboratory Services, Illumina
Classification: Benign for Congenital myasthenic syndrome 4C. Last evaluated: 2018-01-03. Review status: criteria provided, single submitter. Criteria: ICSL Variant Classification Criteria 13 December 2019. Collection method: clinical testing. Allele origin: germline.
Comment: This variant was observed as part of a predisposition screen in an ostensibly healthy population. A literature search was performed for the gene, cDNA change, and amino acid change (where applicable). No publications were found based on this search. Allele frequency data from public databases was too high to be consistent with this variant causing disease. Therefore, this variant is classified as benign.